The following is an entry in ClinVar:

NM_005560.6(LAMA5):c.8631C>T (p.Tyr2877=)

Gene: LAMA5 (laminin subunit alpha 5; minus strand). Cytogenetic location: 20q13.33.
Variant type: single nucleotide variant.
Coding change: c.8631C>T on transcript NM_005560.6 (MANE Select); coding-DNA position 8631, C replaced by T.
Protein change: p.Tyr2877=; no amino-acid change (tyrosine 2877 retained).
Molecular consequence: synonymous variant.
Genome position (GRCh38, 1-based): chr20:62,313,676, G>A on the plus strand (C>T on the coding strand, the complement: LAMA5 is on the minus strand). VCF-style: chr20-62313676-G-A. GRCh37 (hg19) VCF-style: chr20-60888732-G-A.
Identifiers: ClinVar variation 3031379 (VCV003031379.2), dbSNP rs748303970, ClinGen allele CA9940628.
Genomic context (GRCh38, chr20:62,313,676, plus strand): 5'-CCTCCCAGGCTGCCCCAGGCCGGGCGGGCTCACCGTGAAGGTACTGGGGTACCCCCCGAC[G>A]TAGAAGACGAAGTCGTCTGGCCGCAGGTTGAGCAGCCCCTCTGCCCCAGGGGCCACCGTG-3'
Protein context (NP_005551.3, residues 2867-2887): LNLRPDDFVF[Tyr2877=]VGGYPSTFTP

ClinVar aggregate classification (germline): Likely benign (0 of 4 stars; one submission).

Conditions:
LAMA5-related disorder. Also called: LAMA5-Related Disorders; LAMA5-related condition.

Allele frequency attached by ClinVar (database versions not stated): ExAC 0.00003; gnomAD exomes 0.00003; gnomAD 0.00005; TOPMed 0.00006.
gnomAD v4.1: 55 of 1,612,668 alleles (0.0034%); highest among the groups gnomAD compares: African/African-American, 0.0093%; no homozygotes.

Submission:

PreventionGenetics, part of Exact Sciences
Classification: Likely benign for LAMA5-related condition. Last evaluated: 2022-07-06. Review status: no assertion criteria provided. Collection method: clinical testing. Allele origin: germline.
Comment: This variant is classified as likely benign based on ACMG/AMP sequence variant interpretation guidelines (Richards et al. 2015 PMID: 25741868, with internal and published modifications).